The following is an entry in ClinVar:

NM_004522.3(KIF5C):c.139T>C (p.Tyr47His)

Genes: KIF5C (kinesin family member 5C; plus strand), LOC101928553 (uncharacterized LOC101928553; minus strand). Cytogenetic location: 2q23.1.
Variant type: single nucleotide variant.
Coding change: c.139T>C on transcript NM_004522.3 (MANE Select); coding-DNA position 139, T replaced by C.
Protein change: p.Tyr47His; replaces tyrosine 47 with histidine.
Molecular consequence: missense variant.
Genome position (GRCh38, 1-based): chr2:148,922,149, T>C. VCF-style: chr2-148922149-T-C. GRCh37 (hg19) VCF-style: chr2-149679718-T-C.
Other names: c.139T>C (NM_004522.1); short protein forms Y47H.
Identifiers: ClinVar variation 3361355 (VCV003361355.2).

ClinVar aggregate classification (germline): Uncertain significance. Review status: criteria provided, multiple submitters, no conflicts (2 of 4 stars). 2 submissions from 2 submitters: Uncertain significance (2). Last evaluated 2026-03-19.

Conditions:
Inborn genetic diseases. Identifiers: MedGen C0950123, MeSH D030342.

gnomAD v4.1: 4 of 1,607,636 alleles (0.00025%); highest among the groups gnomAD compares: Non-Finnish European, 0.00034%; no homozygotes.

Submissions (2):

Ambry Genetics
Classification: Uncertain significance for Inborn genetic diseases. Last evaluated: 2026-03-19. Review status: criteria provided, single submitter. Criteria: Ambry Variant Classification Scheme 2023. Collection method: clinical testing. Allele origin: germline.

GeneDx
Classification: Uncertain significance. Last evaluated: 2023-08-01. Review status: criteria provided, single submitter. Criteria: GeneDx Variant Classification Process June 2021. Collection method: clinical testing. Allele origin: germline. Affected: yes.
Comment: Not observed at significant frequency in large population cohorts (gnomAD); In silico analysis supports that this missense variant has a deleterious effect on protein structure/function; Has not been previously published as pathogenic or benign to our knowledge